The following is an entry in ClinVar:

ClinVar aggregate classification (germline): Benign (0 of 4 stars; one submission).

Conditions:
FOXA3-related disorder. Also called: FOXA3-related condition.

Allele frequency attached by ClinVar (database versions not stated): 1000 Genomes Project 0.00359; 1000 Genomes Project 30x 0.00406; TOPMed 0.00658; gnomAD 0.00682; ESP Exome Variant Server 0.00707; ExAC 0.00841; gnomAD exomes 0.01040.
gnomAD v4.1: 16,156 of 1,614,180 alleles (1%); highest among the groups gnomAD compares: Middle Eastern, 1.8%; 113 homozygotes.

Submission:

PreventionGenetics, part of Exact Sciences
Classification: Benign for FOXA3-related condition. Last evaluated: 2019-05-15. Review status: no assertion criteria provided. Collection method: clinical testing. Allele origin: germline.
Comment: This variant is classified as benign based on ACMG/AMP sequence variant interpretation guidelines (Richards et al. 2015 PMID: 25741868, with internal and published modifications).

NM_004497.3(FOXA3):c.345C>T (p.His115=)

Gene: FOXA3 (forkhead box A3; plus strand). Cytogenetic location: 19q13.32.
Variant type: single nucleotide variant.
Coding change: c.345C>T on transcript NM_004497.3 (MANE Select); coding-DNA position 345, C replaced by T.
Protein change: p.His115=; no amino-acid change (histidine 115 retained).
Molecular consequence: synonymous variant.
Genome position (GRCh38, 1-based): chr19:45,872,350, C>T. VCF-style: chr19-45872350-C-T. GRCh37 (hg19) VCF-style: chr19-46375608-C-T.
Identifiers: ClinVar variation 3041583 (VCV003041583.2), dbSNP rs144459600, ClinGen allele CA9524508.